The following is an entry in ClinVar:

NM_000535.7(PMS2):c.2545A>T (p.Thr849Ser)

Gene: PMS2 (PMS1 homolog 2, mismatch repair system component; minus strand). Cytogenetic location: 7p22.1.
Variant type: single nucleotide variant.
Coding change: c.2545A>T on transcript NM_000535.7 (MANE Select); coding-DNA position 2545, A replaced by T.
Protein change: p.Thr849Ser; replaces threonine 849 with serine.
Molecular consequence: missense variant. On other transcripts: non-coding transcript variant (1).
Genome position (GRCh38, 1-based): chr7:5,973,443, T>A on the plus strand (A>T on the coding strand, the complement: PMS2 is on the minus strand). VCF-style: chr7-5973443-T-A. GRCh37 (hg19) VCF-style: chr7-6013074-T-A.
Other names: c.2140A>T, p.Thr714Ser (NM_001018040.1, NM_001322003.2, NM_001322004.2 and 12 more transcripts); c.2389A>T, p.Thr797Ser (NM_001322006.2); c.2227A>T, p.Thr743Ser (NM_001322007.2, NM_001322008.2, NM_001406883.1); c.2173A>T, p.Thr725Ser (NM_001322009.2, NM_001406887.1, NM_001406888.1); c.1984A>T, p.Thr662Ser (NM_001322010.2, NM_001406906.1, NM_001406907.1); c.1612A>T, p.Thr538Ser (NM_001322011.2, NM_001322012.2); c.1972A>T, p.Thr658Ser (NM_001322013.2, NM_001406908.1, NM_001406909.1); c.2578A>T, p.Thr860Ser (NM_001322014.2); and 20 more; short protein forms T538S, T610S, T662S, T714S, T727S, T801S, T743S, T754S.
Identifiers: ClinVar variation 2110721 (VCV002110721.4), dbSNP rs2128657272, ClinGen allele CA366734824.
Genomic context (GRCh38, chr7:5,973,443, plus strand): 5'-CATACAGTGACTACGGTCAGTTCTGAGAAATGACACCCAGGTTGGCGATGTGTCTCATGG[T>A]TGGCCTTCCATGGGGACAGTTCCAGGGGTGGTCCATCTCCCCCATGTGGGTGATCAGTTT-3'
Protein context (NP_000526.2, residues 839-859): HPWNCPHGRP[Thr849Ser]MRHIANLGVI

ClinVar aggregate classification (germline): Uncertain significance (1 of 4 stars; one submission).

Conditions:
Hereditary nonpolyposis colorectal neoplasms. Identifiers: MedGen C0009405, MeSH D003123.

Submission:

Labcorp Genetics (formerly Invitae), Labcorp
Classification: Uncertain significance for Hereditary nonpolyposis colorectal neoplasms. Last evaluated: 2025-05-19. Review status: criteria provided, single submitter. Criteria: Invitae Variant Classification Sherloc (09022015). Collection method: clinical testing. Allele origin: germline.
Comment: This sequence change replaces threonine, which is neutral and polar, with serine, which is neutral and polar, at codon 849 of the PMS2 protein (p.Thr849Ser). The frequency data for this variant in the population databases (gnomAD) is considered unreliable due to the presence of homologous sequence, such as pseudogenes or paralogs, in the genome. This variant has not been reported in the literature in individuals affected with PMS2-related conditions. ClinVar contains an entry for this variant (Variation ID: 2110721). Invitae Evidence Modeling incorporating data from in vitro experimental studies (internal data) indicates that this missense variant is not expected to disrupt PMS2 function with a negative predictive value of 95%. In summary, the available evidence is currently insufficient to determine the role of this variant in disease. Therefore, it has been classified as a Variant of Uncertain Significance.